The following is an entry in ClinVar:

NM_001497.4(B4GALT1):c.790T>G (p.Ser264Ala)

Gene: B4GALT1 (beta-1,4-galactosyltransferase 1; minus strand). Cytogenetic location: 9p21.1.
Variant type: single nucleotide variant.
Coding change: c.790T>G on transcript NM_001497.4 (MANE Select); coding-DNA position 790, T replaced by G.
Protein change: p.Ser264Ala; replaces serine 264 with alanine.
Molecular consequence: missense variant. On other transcripts: intron variant (1).
Genome position (GRCh38, 1-based): chr9:33,120,465, A>C on the plus strand (T>G on the coding strand, the complement: B4GALT1 is on the minus strand). VCF-style: chr9-33120465-A-C. GRCh37 (hg19) VCF-style: chr9-33120463-A-C.
Other names: c.751T>G, p.Ser251Ala (NM_001378495.1); c.790T>G, p.Ser264Ala (NM_001378496.1); c.648+14724T>G (NM_001378497.1); short protein forms S264A, S251A.
Identifiers: ClinVar variation 2180791 (VCV002180791.1), dbSNP rs755251855, ClinGen allele CA5023691.

ClinVar aggregate classification (germline): Uncertain significance (1 of 4 stars; one submission).

gnomAD v4.1: 17 of 1,613,906 alleles (0.0011%); highest among the groups gnomAD compares: East Asian, 0.027%; no homozygotes.

Submission:

Labcorp Genetics (formerly Invitae), Labcorp
Classification: Uncertain significance. Last evaluated: 2021-09-01. Review status: criteria provided, single submitter. Criteria: Invitae Variant Classification Sherloc (09022015). Collection method: clinical testing. Allele origin: germline.
Comment: This sequence change replaces serine with alanine at codon 264 of the B4GALT1 protein (p.Ser264Ala). The serine residue is moderately conserved and there is a moderate physicochemical difference between serine and alanine. This variant is present in population databases (rs755251855, ExAC 0.03%). This variant has not been reported in the literature in individuals affected with B4GALT1-related conditions. Algorithms developed to predict the effect of missense changes on protein structure and function output the following: SIFT: "Tolerated"; PolyPhen-2: "Benign"; Align-GVGD: "Class C0". The alanine amino acid residue is found in multiple mammalian species, which suggests that this missense change does not adversely affect protein function. In summary, the available evidence is currently insufficient to determine the role of this variant in disease. Therefore, it has been classified as a Variant of Uncertain Significance.